The following is an entry in ClinVar:

NM_201548.5(CERKL):c.1064C>A (p.Ala355Glu)

Gene: CERKL (CERK like autophagy regulator; minus strand). Cytogenetic location: 2q31.3.
Variant type: single nucleotide variant.
Coding change: c.1064C>A on transcript NM_201548.5 (MANE Select); coding-DNA position 1064, C replaced by A.
Protein change: p.Ala355Glu; replaces alanine 355 with glutamic acid.
Molecular consequence: missense variant. On other transcripts: non-coding transcript variant (2).
Genome position (GRCh38, 1-based): chr2:181,548,689, G>T on the plus strand (C>A on the coding strand, the complement: CERKL is on the minus strand). VCF-style: chr2-181548689-G-T. GRCh37 (hg19) VCF-style: chr2-182413416-G-T.
Other names: c.1142C>A, p.Ala381Glu (NM_001030311.3); c.725C>A, p.Ala242Glu (NM_001030312.3); c.857C>A, p.Ala286Glu (NM_001030313.3); c.1010C>A, p.Ala337Glu (NM_001160277.2); short protein forms A337E, A242E, A286E, A355E, A381E.
Identifiers: ClinVar variation 852913 (VCV000852913.7), dbSNP rs144917662, ClinGen allele CA2010585.

ClinVar aggregate classification (germline): Uncertain significance. Review status: criteria provided, multiple submitters, no conflicts (2 of 4 stars). 3 submissions from 3 submitters: Uncertain significance (2). 1 of the submissions does not count toward it. Last evaluated 2021-12-08.

Conditions:
Retinitis pigmentosa 26 (RP26). Identifiers: Orphanet 791, MedGen C1842127, MONDO:0012024, OMIM 608380.

Allele frequency attached by ClinVar (database versions not stated): gnomAD exomes below 0.00001; ExAC 0.00001; TOPMed 0.00001; ESP Exome Variant Server 0.00008.
gnomAD v4.1: 11 of 1,613,786 alleles (0.00068%); highest among the groups gnomAD compares: African/African-American, 0.013%; no homozygotes.

Submissions (3):

Labcorp Genetics (formerly Invitae), Labcorp
Classification: Uncertain significance. Last evaluated: 2021-12-08. Review status: criteria provided, single submitter. Criteria: Invitae Variant Classification Sherloc (09022015). Collection method: clinical testing. Allele origin: germline.
Comment: This sequence change replaces alanine, which is neutral and non-polar, with glutamic acid, which is acidic and polar, at codon 381 of the CERKL protein (p.Ala381Glu). This variant is present in population databases (rs144917662, gnomAD 0.02%). This variant has not been reported in the literature in individuals affected with CERKL-related conditions. ClinVar contains an entry for this variant (Variation ID: 852913). Algorithms developed to predict the effect of missense changes on protein structure and function are either unavailable or do not agree on the potential impact of this missense change (SIFT: "Tolerated"; PolyPhen-2: "Probably Damaging"; Align-GVGD: "Class C15"). In summary, the available evidence is currently insufficient to determine the role of this variant in disease. Therefore, it has been classified as a Variant of Uncertain Significance.

Blueprint Genetics
Classification: Uncertain significance. Last evaluated: 2020-04-14. Review status: criteria provided, single submitter. Criteria: ACMG Guidelines, 2015. Collection method: clinical testing. Allele origin: germline.

Natera, Inc.
Classification: Uncertain significance for Retinitis pigmentosa type 26. Last evaluated: 2020-03-10. Review status: no assertion criteria provided. Collection method: clinical testing. Allele origin: germline. Not counted in ClinVar's aggregate classification.